The following is an entry in ClinVar:

ClinVar aggregate classification (germline): Pathogenic (1 of 4 stars; one submission).

Conditions:
Curry-Hall syndrome (WAD). Also called: WEYERS ACRODENTAL DYSOSTOSIS. Identifiers: Orphanet 952, MedGen C0457013, MONDO:0008673, OMIM 193530.
Ellis-van Creveld syndrome (EVC). Also called: EVC-Related Ellis-van Creveld Syndrome; EVC2-Related Ellis-van Creveld Syndrome; MESOECTODERMAL DYSPLASIA; Chondroectodermal dysplasia. Identifiers: Orphanet 289, MedGen C0013903, MONDO:0009162, OMIM 225500.

Submission:

Labcorp Genetics (formerly Invitae), Labcorp
Classification: Pathogenic for Curry-Hall syndrome; Ellis-van Creveld syndrome. Last evaluated: 2023-07-15. Review status: criteria provided, single submitter. Criteria: Invitae Variant Classification Sherloc (09022015). Collection method: clinical testing. Allele origin: germline.
Comment: For these reasons, this variant has been classified as Pathogenic. This variant has not been reported in the literature in individuals affected with EVC2-related conditions. Information on the frequency of this variant in the gnomAD database is not available, as this variant may be reported differently in the database. This sequence change creates a premature translational stop signal (p.Cys30*) in the EVC2 gene. It is expected to result in an absent or disrupted protein product. Loss-of-function variants in EVC2 are known to be pathogenic (PMID: 17024374, 19810119, 19876929).

Literature cited by the submitters: PubMed 17024374; PubMed 19810119; PubMed 19876929.

NM_147127.5(EVC2):c.90_91delinsAT (p.Cys30_Leu31delinsTer)

Gene: EVC2 (EvC ciliary complex subunit 2; minus strand). Cytogenetic location: 4p16.2.
Variant type: Indel.
Coding change: c.90_91delinsAT on transcript NM_147127.5 (MANE Select); coding-DNA positions 90 to 91, TC replaced by AT.
Protein change: p.Cys30_Leu31delinsTer.
Molecular consequence: nonsense. On other transcripts: intron variant (1).
Genome position (GRCh38, 1-based): chr4:5,708,423-5,708,424, GA replaced by AT on the plus strand (TC replaced by AT on the coding strand, the reverse complement: EVC2 is on the minus strand). VCF-style: chr4-5708423-GA-AT. GRCh37 (hg19) VCF-style: chr4-5710150-GA-AT.
Other names: c.-13+405_-13+406delinsAT (NM_001166136.2).
Identifiers: ClinVar variation 2944447 (VCV002944447.3), dbSNP rs2474142661, ClinGen allele CA2740091152.